The following is an entry in ClinVar:

NM_001754.5(RUNX1):c.341T>A (p.Ile114Asn)

Gene: RUNX1 (RUNX family transcription factor 1; minus strand). Cytogenetic location: 21q22.12.
Variant type: single nucleotide variant.
Coding change: c.341T>A on transcript NM_001754.5 (MANE Select); coding-DNA position 341, T replaced by A.
Protein change: p.Ile114Asn; replaces isoleucine 114 with asparagine.
Molecular consequence: missense variant.
Genome position (GRCh38, 1-based): chr21:34,886,853, A>T on the plus strand (T>A on the coding strand, the complement: RUNX1 is on the minus strand). VCF-style: chr21-34886853-A-T. GRCh37 (hg19) VCF-style: chr21-36259150-A-T.
Other names: NM_001754.5(RUNX1):c.341T>A; p.Ile114Asn; c.260T>A, p.Ile87Asn (NM_001001890.3, NM_001122607.2); short protein forms I114N, I87N.
Identifiers: ClinVar variation 2692676 (VCV002692676.4), dbSNP rs2146407918, ClinGen allele CA410203383.

ClinVar aggregate classification (germline): Uncertain significance. Review status: reviewed by expert panel (3 of 4 stars). 2 submissions from 2 submitters: Uncertain significance (1). 1 of the submissions does not count toward it. Last evaluated 2024-10-29.

Conditions:
Hereditary thrombocytopenia and hematological cancer predisposition syndrome associated with RUNX1. Also called: Familial Platelet Disorder with Propensity to Acute Myelogenous Leukemia; Familial thrombocytopenia with propensity to acute myelogenous leukemia; PLATELET DISORDER, ASPIRIN-LIKE; RUNX1 Familial Platelet Disorder with Associated Myeloid Malignancies. Identifiers: Orphanet 71290, MedGen C1832388, MeSH C563324, MONDO:0100083, OMIM 601399.
Hereditary thrombocytopenia and hematologic cancer predisposition syndrome. Identifiers: Orphanet 71290, MedGen CN281654, MONDO:0011071.

Submissions (2):

ClinGen Myeloid Malignancy Variant Curation Expert Panel
Classification: Uncertain significance for Hereditary thrombocytopenia and hematologic cancer predisposition syndrome. Last evaluated: 2024-10-29. Review status: reviewed by expert panel. Criteria: ClinGen MyeloMalig ACMG Specifications v2. Collection method: curation. Allele origin: germline. Inheritance: Autosomal dominant inheritance.
Comment: NM_001754.5(RUNX1):c.341T>A (p.Ile114Asn) is a missense variant which is found within the runt homology domain but does not occur in an established hotspot residue (PM1_supporting). This variant is completely absent from all population databases with at least 20x coverage for RUNX1 (PM2_Supporting). In summary, the clinical significance of this variant is uncertain. ACMG/AMP criteria applied, as specified by the Myeloid Malignancy Variant Curation Expert Panel for RUNX1: PM1_supporting, PM2_supporting.

Labcorp Genetics (formerly Invitae), Labcorp
Classification: Uncertain significance for Hereditary thrombocytopenia and hematological cancer predisposition syndrome associated with RUNX1. Last evaluated: 2023-11-02. Review status: criteria provided, single submitter. Criteria: Invitae Variant Classification Sherloc (09022015). Collection method: clinical testing. Allele origin: germline. Not counted in ClinVar's aggregate classification.
Comment: This sequence change replaces isoleucine, which is neutral and non-polar, with asparagine, which is neutral and polar, at codon 114 of the RUNX1 protein (p.Ile114Asn). This variant is not present in population databases (gnomAD no frequency). This variant has not been reported in the literature in individuals affected with RUNX1-related conditions. Advanced modeling of protein sequence and biophysical properties (such as structural, functional, and spatial information, amino acid conservation, physicochemical variation, residue mobility, and thermodynamic stability) performed at Invitae indicates that this missense variant is not expected to disrupt RUNX1 protein function with a negative predictive value of 80%. In summary, the available evidence is currently insufficient to determine the role of this variant in disease. Therefore, it has been classified as a Variant of Uncertain Significance.